The following is an entry in ClinVar:

NM_000282.4(PCCA):c.293C>T (p.Ala98Val)

Gene: PCCA (propionyl-CoA carboxylase subunit alpha; plus strand). Cytogenetic location: 13q32.3.
Variant type: single nucleotide variant.
Coding change: c.293C>T on transcript NM_000282.4 (MANE Select); coding-DNA position 293, C replaced by T.
Protein change: p.Ala98Val; replaces alanine 98 with valine.
Molecular consequence: missense variant. On other transcripts: 5 prime UTR variant (3), non-coding transcript variant (5).
Genome position (GRCh38, 1-based): chr13:100,112,054, C>T. VCF-style: chr13-100112054-C-T. GRCh37 (hg19) VCF-style: chr13-100764308-C-T.
Other names: c.215C>T, p.Ala72Val (NM_001127692.3, NM_001352607.2, NM_001352608.2); c.293C>T, p.Ala98Val (NM_001178004.2, NM_001352605.2, NM_001352606.2 and 1 more transcripts); c.-574C>T (NM_001352610.2, NM_001352611.2, NM_001352612.2); short protein forms A72V, A98V.
Identifiers: ClinVar variation 1416832 (VCV001416832.3), dbSNP rs2152279131, ClinGen allele CA388693222.
Genomic context (GRCh38, chr13:100,112,054, plus strand): 5'-TTATTAGAACTTGCAAGAAGATGGGCATTAAGACAGTTGCCATCCACAGTGATGTTGATG[C>T]TAGTTCTGTAAGTATATTTTTGCTTTGTTTAAATCAGGACTTAATTTTGGGTCAAGCAGA-3'
Protein context (NP_000273.2, residues 88-108): KTVAIHSDVD[Ala98Val]SSVHVKMADE

ClinVar aggregate classification (germline): Uncertain significance (1 of 4 stars; one submission).

Conditions:
Propionic acidemia (PROP). Also called: KETOTIC HYPERGLYCINEMIA; GLYCINEMIA, KETOTIC; HYPERGLYCINEMIA WITH KETOACIDOSIS AND LEUKOPENIA. Identifiers: Orphanet 35, MedGen C0268579, MONDO:0011628, OMIM 606054, HP:0003571.

Submission:

Labcorp Genetics (formerly Invitae), Labcorp
Classification: Uncertain significance for Propionic acidemia. Last evaluated: 2021-10-25. Review status: criteria provided, single submitter. Criteria: Invitae Variant Classification Sherloc (09022015). Collection method: clinical testing. Allele origin: germline.
Comment: This sequence change replaces alanine, which is neutral and non-polar, with valine, which is neutral and non-polar, at codon 98 of the PCCA protein (p.Ala98Val). This variant is not present in population databases (gnomAD no frequency). This variant has not been reported in the literature in individuals affected with PCCA-related conditions. Advanced modeling of protein sequence and biophysical properties (such as structural, functional, and spatial information, amino acid conservation, physicochemical variation, residue mobility, and thermodynamic stability) performed at Invitae indicates that this missense variant is not expected to disrupt PCCA protein function. In summary, the available evidence is currently insufficient to determine the role of this variant in disease. Therefore, it has been classified as a Variant of Uncertain Significance.